The following is an entry in ClinVar:

ClinVar aggregate classification (germline): Uncertain significance. Review status: criteria provided, multiple submitters, no conflicts (2 of 4 stars). 2 submissions from 2 submitters: Uncertain significance (2). Last evaluated 2025-02-04.

Conditions:
Familial hemophagocytic lymphohistiocytosis 3 (FHL3). Also called: UNC13D-Related Familial Hemophagocytic Lymphohistiocytosis (UNC13D-fHLH). Identifiers: Orphanet 540, MedGen C1837174, MONDO:0012146, OMIM 608898.

Allele frequency attached by ClinVar (database versions not stated): gnomAD exomes 0.00001; gnomAD 0.00001; TOPMed below 0.00001; ExAC 0.00001.
gnomAD v4.1: 16 of 1,606,152 alleles (0.001%); highest among the groups gnomAD compares: Middle Eastern, 0.05%; no homozygotes.

Submissions (2):

Dasa
Classification: Uncertain significance. Last evaluated: 2025-02-04. Review status: criteria provided, single submitter. Criteria: DASA Assertion Criteria. Collection method: clinical testing. Allele origin: germline.
Comment: NM_199242.3(UNC13D):c.155G>A (p.Arg52Gln) is a missense variant that results in the substitution of arginine with glutamine. This variant is rare in population databases. The currently available literature and clinical evidence are not sufficient to establish a definitive association between this variant and the reported condition. Therefore, this variant is classified as a variant of uncertain significance.

Labcorp Genetics (formerly Invitae), Labcorp
Classification: Uncertain significance for Familial hemophagocytic lymphohistiocytosis 3. Last evaluated: 2022-07-05. Review status: criteria provided, single submitter. Criteria: Invitae Variant Classification Sherloc (09022015). Collection method: clinical testing. Allele origin: germline.
Comment: This sequence change replaces arginine, which is basic and polar, with glutamine, which is neutral and polar, at codon 52 of the UNC13D protein (p.Arg52Gln). The frequency data for this variant in the population databases is considered unreliable, as metrics indicate poor data quality at this position in the gnomAD database. This variant has not been reported in the literature in individuals affected with UNC13D-related conditions. ClinVar contains an entry for this variant (Variation ID: 859773). Algorithms developed to predict the effect of missense changes on protein structure and function output the following: SIFT: "Not Available"; PolyPhen-2: "Benign"; Align-GVGD: "Not Available". The glutamine amino acid residue is found in multiple mammalian species, which suggests that this missense change does not adversely affect protein function. Algorithms developed to predict the effect of sequence changes on RNA splicing suggest that this variant may disrupt the consensus splice site. In summary, the available evidence is currently insufficient to determine the role of this variant in disease. Therefore, it has been classified as a Variant of Uncertain Significance.

NM_199242.3(UNC13D):c.155G>A (p.Arg52Gln)

Gene: UNC13D (unc-13 homolog D; minus strand). Cytogenetic location: 17q25.1.
Variant type: single nucleotide variant.
Coding change: c.155G>A on transcript NM_199242.3 (MANE Select); coding-DNA position 155, G replaced by A.
Protein change: p.Arg52Gln; replaces arginine 52 with glutamine.
Molecular consequence: missense variant.
Genome position (GRCh38, 1-based): chr17:75,843,265, C>T on the plus strand (G>A on the coding strand, the complement: UNC13D is on the minus strand). VCF-style: chr17-75843265-C-T. GRCh37 (hg19) VCF-style: chr17-73839346-C-T.
Other names: short protein forms R52Q.
Identifiers: ClinVar variation 859773 (VCV000859773.7), dbSNP rs750613531, ClinGen allele CA8773595.